The following is an entry in ClinVar:

NM_170606.3(KMT2C):c.2794A>G (p.Asn932Asp)

Gene: KMT2C (lysine methyltransferase 2C; minus strand). Cytogenetic location: 7q36.1.
Variant type: single nucleotide variant.
Coding change: c.2794A>G on transcript NM_170606.3 (MANE Select); coding-DNA position 2794, A replaced by G.
Protein change: p.Asn932Asp; replaces asparagine 932 with aspartic acid.
Molecular consequence: missense variant.
Genome position (GRCh38, 1-based): chr7:152,230,297, T>C on the plus strand (A>G on the coding strand, the complement: KMT2C is on the minus strand). VCF-style: chr7-152230297-T-C. GRCh37 (hg19) VCF-style: chr7-151927382-T-C.
Other names: short protein forms N932D.
Identifiers: ClinVar variation 3674283 (VCV003674283.2).

ClinVar aggregate classification (germline): Uncertain significance (1 of 4 stars; one submission).

Submission:

Labcorp Genetics (formerly Invitae), Labcorp
Classification: Uncertain significance. Last evaluated: 2024-02-23. Review status: criteria provided, single submitter. Criteria: Invitae Variant Classification Sherloc (09022015). Collection method: clinical testing. Allele origin: germline.
Comment: This sequence change replaces asparagine, which is neutral and polar, with aspartic acid, which is acidic and polar, at codon 932 of the KMT2C protein (p.Asn932Asp). This variant is not present in population databases (gnomAD no frequency). This variant has not been reported in the literature in individuals affected with KMT2C-related conditions. Advanced modeling of protein sequence and biophysical properties (such as structural, functional, and spatial information, amino acid conservation, physicochemical variation, residue mobility, and thermodynamic stability) performed at Invitae indicates that this missense variant is not expected to disrupt KMT2C protein function with a negative predictive value of 80%. In summary, the available evidence is currently insufficient to determine the role of this variant in disease. Therefore, it has been classified as a Variant of Uncertain Significance.